The following is an entry in ClinVar:

ClinVar aggregate classification (germline): Uncertain significance (1 of 4 stars; one submission).

Allele frequency attached by ClinVar (database versions not stated): gnomAD exomes below 0.00001.
gnomAD v4.1: 3 of 1,613,206 alleles (0.00019%); highest among the groups gnomAD compares: Non-Finnish European, 0.00025%; no homozygotes.

Submission:

Labcorp Genetics (formerly Invitae), Labcorp
Classification: Uncertain significance. Last evaluated: 2022-09-27. Review status: criteria provided, single submitter. Criteria: Invitae Variant Classification Sherloc (09022015). Collection method: clinical testing. Allele origin: germline.
Comment: This variant has not been reported in the literature in individuals affected with DNM1L-related conditions. In summary, the available evidence is currently insufficient to determine the role of this variant in disease. Therefore, it has been classified as a Variant of Uncertain Significance. Algorithms developed to predict the effect of missense changes on protein structure and function (SIFT, PolyPhen-2, Align-GVGD) all suggest that this variant is likely to be tolerated. This variant is not present in population databases (gnomAD no frequency). This sequence change replaces glutamine, which is neutral and polar, with histidine, which is basic and polar, at codon 27 of the DNM1L protein (p.Gln27His).

NM_012062.5(DNM1L):c.81A>C (p.Gln27His)

Gene: DNM1L (dynamin 1 like; plus strand). Cytogenetic location: 12p11.21.
Variant type: single nucleotide variant.
Coding change: c.81A>C on transcript NM_012062.5 (MANE Select); coding-DNA position 81, A replaced by C.
Protein change: p.Gln27His; replaces glutamine 27 with histidine.
Molecular consequence: missense variant. On other transcripts: 5 prime UTR variant (1).
Genome position (GRCh38, 1-based): chr12:32,679,444, A>C. VCF-style: chr12-32679444-A-C. GRCh37 (hg19) VCF-style: chr12-32832378-A-C.
Other names: c.81A>C, p.Gln27His (NM_001278463.2, NM_001278464.2, NM_001278465.2 and 3 more transcripts); c.-125A>C (NM_001278466.2); short protein forms Q27H.
Identifiers: ClinVar variation 2093266 (VCV002093266.4), dbSNP rs2540921585, ClinGen allele CA384359691.
Genomic context (GRCh38, chr12:32,679,444, plus strand): 5'-CATAAACAAGCTCCAGGACGTCTTCAACACGGTGGGCGCCGACATCATCCAGCTGCCTCA[A>C]ATCGTCGTAGTGGGAACGCAGGTGAGAGCAGCAGGCGGCGTTCGCTCGGGCCAGACCCCG-3'
Protein context (NP_036192.2, residues 17-37): TVGADIIQLP[Gln27His]IVVVGTQSSG